The following is an entry in ClinVar:

NM_000081.4(LYST):c.10838A>G (p.Tyr3613Cys)

Gene: LYST (lysosomal trafficking regulator; minus strand). Cytogenetic location: 1q42.3.
Variant type: single nucleotide variant.
Coding change: c.10838A>G on transcript NM_000081.4 (MANE Select); coding-DNA position 10838, A replaced by G.
Protein change: p.Tyr3613Cys; replaces tyrosine 3613 with cysteine.
Molecular consequence: missense variant.
Genome position (GRCh38, 1-based): chr1:235,677,582, T>C on the plus strand (A>G on the coding strand, the complement: LYST is on the minus strand). VCF-style: chr1-235677582-T-C. GRCh37 (hg19) VCF-style: chr1-235840882-T-C.
Other names: c.10838A>G, p.Tyr3613Cys (NM_001301365.1); short protein forms Y3613C.
Identifiers: ClinVar variation 296349 (VCV000296349.7), dbSNP rs151167023, ClinGen allele CA1465276.

ClinVar aggregate classification (germline): Uncertain significance. Review status: criteria provided, multiple submitters, no conflicts (2 of 4 stars). 2 submissions from 2 submitters: Uncertain significance (2). Last evaluated 2022-08-16.

Conditions:
Chédiak-Higashi syndrome (CHS). Also called: Chediak-Higashi Syndrome. Identifiers: Orphanet 167, MedGen C0007965, MONDO:0008963, OMIM 214500.

Allele frequency attached by ClinVar (database versions not stated): gnomAD 0.00001; gnomAD exomes 0.00001; ExAC 0.00002; TOPMed 0.00002; ESP Exome Variant Server 0.00008.
gnomAD v4.1: 23 of 1,612,220 alleles (0.0014%); highest among the groups gnomAD compares: Middle Eastern, 0.016%; no homozygotes.

Submissions (2):

Labcorp Genetics (formerly Invitae), Labcorp
Classification: Uncertain significance for Chédiak-Higashi syndrome. Last evaluated: 2022-08-16. Review status: criteria provided, single submitter. Criteria: Invitae Variant Classification Sherloc (09022015). Collection method: clinical testing. Allele origin: germline.
Comment: This sequence change replaces tyrosine, which is neutral and polar, with cysteine, which is neutral and slightly polar, at codon 3613 of the LYST protein (p.Tyr3613Cys). This variant is present in population databases (rs151167023, gnomAD 0.006%). This variant has not been reported in the literature in individuals affected with LYST-related conditions. ClinVar contains an entry for this variant (Variation ID: 296349). Algorithms developed to predict the effect of missense changes on protein structure and function are either unavailable or do not agree on the potential impact of this missense change (SIFT: "Tolerated"; PolyPhen-2: "Possibly Damaging"; Align-GVGD: "Class C0"). In summary, the available evidence is currently insufficient to determine the role of this variant in disease. Therefore, it has been classified as a Variant of Uncertain Significance.

Illumina Laboratory Services, Illumina
Classification: Uncertain significance for Chédiak-Higashi syndrome. Last evaluated: 2018-01-13. Review status: criteria provided, single submitter. Criteria: ICSL Variant Classification Criteria 13 December 2019. Collection method: clinical testing. Allele origin: germline.